The following is an entry in ClinVar:

ClinVar aggregate classification (germline): Likely benign (1 of 4 stars; one submission).

Conditions:
Deficiency of hyaluronoglucosaminidase (MPS9). Also called: MPS IX; Mucopolysaccharidosis type 9; HYALURONIDASE DEFICIENCY. Identifiers: Orphanet 67041, MedGen C1291490, MONDO:0011093, OMIM 601492.

Allele frequency attached by ClinVar (database versions not stated): gnomAD 0.00116 and 0.00087; 1000 Genomes Project 30x 0.00328; 1000 Genomes Project 0.00359.

Submission:

Illumina Laboratory Services, Illumina
Classification: Likely benign for Deficiency of hyaluronoglucosaminidase. Last evaluated: 2018-01-12. Review status: criteria provided, single submitter. Criteria: ICSL Variant Classification Criteria 13 December 2019. Collection method: clinical testing. Allele origin: germline.
Comment: This variant was observed in the ICSL laboratory as part of a predisposition screen in an ostensibly healthy population. It had not been previously curated by ICSL or reported in the Human Gene Mutation Database (HGMD: prior to June 1st, 2018), and was therefore a candidate for classification through an automated scoring system. Utilizing variant allele frequency, disease prevalence and penetrance estimates, and inheritance mode, an automated score was calculated to assess if this variant is too frequent to cause the disease. Based on the score and internal cut-off values, a variant classified as likely benign is not then subjected to further curation. The score for this variant resulted in a classification of likely benign for this disease.

NM_153281.2(HYAL1):c.-241C>A

Gene: HYAL1 (hyaluronidase 1; minus strand). Cytogenetic location: 3p21.31.
Variant type: single nucleotide variant.
Coding change: c.-241C>A on transcript NM_153281.2; 241 bases upstream of the start codon, C replaced by A.
Molecular consequence: 5 prime UTR variant.
Genome position (GRCh38, 1-based): chr3:50,309,709, G>T on the plus strand (C>A on the coding strand, the complement: HYAL1 is on the minus strand). VCF-style: chr3-50309709-G-T. GRCh37 (hg19) VCF-style: chr3-50347140-G-T.
Identifiers: ClinVar variation 346096 (VCV000346096.7), dbSNP rs12631938, ClinGen allele CA10616386.
Genomic context (GRCh38, chr3:50,309,709, plus strand): 5'-GATTTCTTACCTGTGGTAAGTAAAGAATGTCACTTTCTGGGGCCAGGAGTGGTGGCTCAT[G>T]CCTGTAATCCCAGCACTTTGGGAGGCCAACGCGGGAGGATCACCTGAGGTCAGGAATTCA-3'